The following is an entry in ClinVar:

ClinVar aggregate classification (germline): Uncertain significance (1 of 4 stars; one submission).

gnomAD v4.1: 2 of 1,486,726 alleles (0.00013%); highest among the groups gnomAD compares: Non-Finnish European, 0.00018%; no homozygotes.

Submission:

Labcorp Genetics (formerly Invitae), Labcorp
Classification: Uncertain significance. Last evaluated: 2026-01-24. Review status: criteria provided, single submitter. Criteria: Invitae Variant Classification Sherloc (09022015). Collection method: clinical testing. Allele origin: germline.
Comment: This sequence change falls in intron 13 of the TCF3 gene. It does not directly change the encoded amino acid sequence of the TCF3 protein. It affects a nucleotide within the consensus splice site. This variant is not present in population databases (gnomAD no frequency). This variant has not been reported in the literature in individuals affected with TCF3-related conditions. Variants that disrupt the consensus splice site are a relatively common cause of aberrant splicing (PMID: 17576681, 9536098). Algorithms developed to predict the effect of sequence changes on RNA splicing suggest that this variant may disrupt the consensus splice site. In summary, the available evidence is currently insufficient to determine the role of this variant in disease. Therefore, it has been classified as a Variant of Uncertain Significance.

Literature cited by the submitters: PubMed 17576681; PubMed 9536098.

NM_003200.5(TCF3):c.1093+5G>A

Gene: TCF3 (transcription factor 3; minus strand). Cytogenetic location: 19p13.3.
Variant type: single nucleotide variant.
Coding change: c.1093+5G>A on transcript NM_003200.5 (MANE Select); 5 bases into the intron after coding-DNA position 1093, G replaced by A.
Molecular consequence: intron variant.
Genome position (GRCh38, 1-based): chr19:1,620,963, C>T on the plus strand (G>A on the coding strand, the complement: TCF3 is on the minus strand). VCF-style: chr19-1620963-C-T. GRCh37 (hg19) VCF-style: chr19-1620962-C-T.
Other names: c.1093+5G>A (NM_001351778.2, NM_001136139.4, NM_001351779.2).
Identifiers: ClinVar variation 4764750 (VCV004764750.1).